The following is an entry in ClinVar:

ClinVar aggregate classification (germline): Uncertain significance (1 of 4 stars; one submission).

Conditions:
Progressive myoclonic epilepsy type 7. Identifiers: Orphanet 435438, MedGen C4015420, MONDO:0014521, OMIM 616187.

Allele frequency attached by ClinVar (database versions not stated): TOPMed below 0.00001; gnomAD exomes 0.00001; ExAC 0.00006.

Submission:

Labcorp Genetics (formerly Invitae), Labcorp
Classification: Uncertain significance for Progressive myoclonic epilepsy type 7. Last evaluated: 2020-11-21. Review status: criteria provided, single submitter. Criteria: Invitae Variant Classification Sherloc (09022015). Collection method: clinical testing. Allele origin: germline.
Comment: In summary, the available evidence is currently insufficient to determine the role of this variant in disease. Therefore, it has been classified as a Variant of Uncertain Significance. Advanced modeling of protein sequence and biophysical properties (such as structural, functional, and spatial information, amino acid conservation, physicochemical variation, residue mobility, and thermodynamic stability) performed at Invitae indicates that this missense variant is not expected to disrupt KCNC1 protein function. This variant has not been reported in the literature in individuals with KCNC1-related conditions. This variant is present in population databases (rs773372284, ExAC 0.01%). This sequence change replaces proline with serine at codon 557 of the KCNC1 protein (p.Pro557Ser). The proline residue is weakly conserved and there is a moderate physicochemical difference between proline and serine.

NM_001112741.2(KCNC1):c.1669C>T (p.Pro557Ser)

Gene: KCNC1 (potassium voltage-gated channel subfamily C member 1; plus strand). Cytogenetic location: 11p15.1.
Variant type: single nucleotide variant.
Coding change: c.1669C>T on transcript NM_001112741.2 (MANE Select); coding-DNA position 1669, C replaced by T.
Protein change: p.Pro557Ser; replaces proline 557 with serine.
Molecular consequence: missense variant.
Genome position (GRCh38, 1-based): chr11:17,779,620, C>T. VCF-style: chr11-17779620-C-T. GRCh37 (hg19) VCF-style: chr11-17801167-C-T.
Other names: short protein forms P557S.
Identifiers: ClinVar variation 1487459 (VCV001487459.8), dbSNP rs773372284, ClinGen allele CA5906858.